The following is an entry in ClinVar:

ClinVar aggregate classification (germline): Conflicting classifications of pathogenicity. Review status: criteria provided, conflicting classifications (1 of 4 stars). 4 submissions from 4 submitters: Likely pathogenic (1); Uncertain significance (3). Last evaluated 2025-04-29.

Conditions:
PKD1-related disorder. Also called: PKD1-related condition.
Polycystic kidney disease, adult type (PKD1). Also called: POLYCYSTIC KIDNEY DISEASE, ADULT, TYPE I; Polycystic Kidney Disease 1, Autosomal Dominant; Polycystic kidney disease 1; Polycystic kidney disease 1, severe; Polycystic Kidney, Autosomal Dominant; POLYCYSTIC KIDNEY DISEASE 1 WITH OR WITHOUT POLYCYSTIC LIVER DISEASE. Identifiers: MedGen C3149841, MONDO:0008263, OMIM 173900.

gnomAD v4.1: 1 of 1,577,888 alleles (0.000063%); highest among the groups gnomAD compares: Non-Finnish European, 0.000086%; no homozygotes.

Submissions (4):

PreventionGenetics, part of Exact Sciences
Classification: Likely pathogenic for PKD1-related condition. Last evaluated: 2025-04-29. Review status: criteria provided, single submitter. Criteria: ACMG Guidelines, 2015. Collection method: clinical testing. Allele origin: germline.
Comment: The PKD1 c.6293A>G variant is predicted to result in the amino acid substitution p.Asp2098Gly. This variant has been reported in an individual with autosomal dominant polycystic kidney disease (ADPKD) (Suppl. Table S5, Carrera et al. 2016. PubMed ID: 27499327). The p.Asp2098 residue is highly conserved. Of note, a different substitution at the same codon, defined as c.6293A>C (p.Asp2098Ala), has also been reported in an individual with ADPKD (Supplementary Table 1, Yu et al. 2022. PubMed ID: 35778421). The REVEL (rare exome variant ensemble learner) program predicts the c.6293A>G (p.Asp2098Gly) variant is pathogenic at a "moderate" level (Ioannidis et al. 2016. PubMed ID: 27666373; Bergquist et al. 2024. PubMed ID: 39345488). This variant has not been reported in a large population database (gnomAD), indicating this variant is rare. Taken together, this variant is interpreted as likely pathogenic.

GeneDx
Classification: Uncertain significance. Last evaluated: 2022-06-24. Review status: criteria provided, single submitter. Criteria: GeneDx Variant Classification Process June 2021. Collection method: clinical testing. Allele origin: germline. Affected: yes.
Comment: Not observed at significant frequency in large population cohorts (gnomAD); In silico analysis supports that this missense variant has a deleterious effect on protein structure/function; This variant is associated with the following publications: (PMID: 27499327)

Fulgent Genetics
Classification: Uncertain significance for Polycystic kidney disease, adult type. Last evaluated: 2022-01-04. Review status: criteria provided, single submitter. Criteria: ACMG Guidelines, 2015. Collection method: clinical testing. Allele origin: unknown.

MVZ Martinsried, Medicover Genetics
Classification: Uncertain significance for Polycystic kidney disease, adult type. Last evaluated: 2021-05-27. Review status: criteria provided, single submitter. Criteria: ACGS Guidelines, 2020. Collection method: clinical testing. Allele origin: unknown. Affected: yes.

NM_001009944.3(PKD1):c.6293A>G (p.Asp2098Gly)

Gene: PKD1 (polycystin 1, transient receptor potential channel interacting; minus strand). Cytogenetic location: 16p13.3.
Variant type: single nucleotide variant.
Coding change: c.6293A>G on transcript NM_001009944.3 (MANE Select); coding-DNA position 6293, A replaced by G.
Protein change: p.Asp2098Gly; replaces aspartic acid 2098 with glycine.
Molecular consequence: missense variant.
Genome position (GRCh38, 1-based): chr16:2,108,874, T>C on the plus strand (A>G on the coding strand, the complement: PKD1 is on the minus strand). VCF-style: chr16-2108874-T-C. GRCh37 (hg19) VCF-style: chr16-2158875-T-C.
Other names: c.6293A>G, p.Asp2098Gly (NM_000296.4); c.6293A>G (NM_001009944.2); short protein forms D2098G.
Identifiers: ClinVar variation 1330249 (VCV001330249.3), dbSNP rs2151788839, ClinGen allele CA394373848.
Genomic context (GRCh38, chr16:2,108,874, plus strand): 5'-CCAGGCCTCAGGTAGGAGTGCTCGGCCCTGGGCTCATCTGTGTCCTGCCCTGGCGACCCA[T>C]CCCCAAAGTCCCAGTGGTAGGCCACACGCCGGGGGCTGGGGCTGGTGGCGGCCTCAAACT-3'
Protein context (NP_001009944.3, residues 2088-2108): RRVAYHWDFG[Asp2098Gly]GSPGQDTDEP